The following is an entry in ClinVar:

ClinVar aggregate classification (germline): Uncertain significance (1 of 4 stars; one submission).

gnomAD v4.1: 1 of 1,210,386 alleles (0.000083%); highest among the groups gnomAD compares: Non-Finnish European, 0.00011%; no homozygotes.

Submission:

Women's Health and Genetics/Laboratory Corporation of America, LabCorp
Classification: Uncertain significance. Last evaluated: 2025-03-31. Review status: criteria provided, single submitter. Criteria: LabCorp Variant Classification Summary - May 2015. Collection method: clinical testing. Allele origin: germline.
Comment: Variant summary: HCFC1 c.4384G>A (p.Asp1462Asn) results in a conservative amino acid change in the encoded protein sequence. Five of five in-silico tools predict a benign effect of the variant on protein function. The frequency data for this variant in gnomAD is considered unreliable, as metrics indicate poor data quality at this position. c.4384G>A has been reported in the literature in an individual affected with partial and generalized epilepsy (He_2023). These data do not allow any conclusion about variant significance. At least one publication reports experimental evidence evaluating an impact on protein function, however, does not allow convincing conclusions about the variant effect (He_2023). The following publication has been ascertained in the context of this evaluation (PMID: 37264743). No submitters have cited clinical-significance assessments for this variant to ClinVar. Based on the evidence outlined above, the variant was classified as uncertain significance.

Literature cited by the submitters: PubMed 37264743.

NM_005334.3(HCFC1):c.4384G>A (p.Asp1462Asn)

Gene: HCFC1 (host cell factor C1; minus strand). Cytogenetic location: Xq28.
Variant type: single nucleotide variant.
Coding change: c.4384G>A on transcript NM_005334.3 (MANE Select); coding-DNA position 4384, G replaced by A.
Protein change: p.Asp1462Asn; replaces aspartic acid 1462 with asparagine.
Molecular consequence: missense variant.
Genome position (GRCh38, 1-based): chrX:153,953,720, C>T on the plus strand (G>A on the coding strand, the complement: HCFC1 is on the minus strand). VCF-style: chrX-153953720-C-T. GRCh37 (hg19) VCF-style: chrX-153219171-C-T.
Other names: c.4384G>A, p.Asp1462Asn (NM_001410705.1); short protein forms D1462N.
Identifiers: ClinVar variation 3895892 (VCV003895892.1).
Genomic context (GRCh38, chrX:153,953,720, plus strand): 5'-GCGTCAGTGTGGAGGACACGGTTGTCGTGATGGCACTGGAGCTGGTGATGTTCACGCTGT[C>T]GCCCTGGGTGCTCTCCACCTCTCCCTGATCGCTGGCAGCAGGTGGGGGGTCTGTGGGGGC-3'
Protein context (NP_005325.2, residues 1452-1472): DQGEVESTQG[Asp1462Asn]SVNITSSSAI